The following is an entry in ClinVar:

NM_000057.4(BLM):c.467A>G (p.Asp156Gly)

Gene: BLM (BLM RecQ like helicase; plus strand). Cytogenetic location: 15q26.1.
Variant type: single nucleotide variant.
Coding change: c.467A>G on transcript NM_000057.4 (MANE Select); coding-DNA position 467, A replaced by G.
Protein change: p.Asp156Gly; replaces aspartic acid 156 with glycine.
Molecular consequence: missense variant. On other transcripts: 5 prime UTR variant (1).
Genome position (GRCh38, 1-based): chr15:90,749,735, A>G. VCF-style: chr15-90749735-A-G. GRCh37 (hg19) VCF-style: chr15-91292965-A-G.
Other names: c.467A>G, p.Asp156Gly (NM_001287246.2, NM_001287247.2); c.-825A>G (NM_001287248.2); c.467A>G (NM_000057.2); short protein forms D156G.
Identifiers: ClinVar variation 954323 (VCV000954323.14), dbSNP rs772175681, ClinGen allele CA7738297.
Genomic context (GRCh38, chr15:90,749,735, plus strand): 5'-TCAAGAAATTAGAATTTAGTTCTTCACCAGATTCTTTAAGTACCATCAATGATTGGGATG[A>G]TATGGATGACTTTGATACTTCTGAGACTTCAAAATCATTTGTTACACCACCCCAAAGTCA-3'
Protein context (NP_000048.1, residues 146-166): DSLSTINDWD[Asp156Gly]MDDFDTSETS

ClinVar aggregate classification (germline): Uncertain significance. Review status: criteria provided, multiple submitters, no conflicts (2 of 4 stars). 4 submissions from 4 submitters: Uncertain significance (3). 1 of the submissions does not count toward it. Last evaluated 2026-04-13.

Conditions:
Bloom syndrome (BLM). Also called: Bloom-Torre-Machacek syndrome. Identifiers: Orphanet 125, MedGen C0005859, MONDO:0008876, OMIM 210900.
Hereditary cancer-predisposing syndrome. Also called: Neoplastic Syndromes, Hereditary; Hereditary Cancer Syndrome; Tumor predisposition; Hereditary neoplastic syndrome. Identifiers: Orphanet 140162, MedGen C0027672, MeSH D009386, MONDO:0015356.

Allele frequency attached by ClinVar (database versions not stated): gnomAD exomes 0.00001 and 0.00002; TOPMed 0.00001; ExAC 0.00002.
gnomAD v4.1: 8 of 1,614,204 alleles (0.0005%); highest among the groups gnomAD compares: East Asian, 0.018%; no homozygotes.

Submissions (4):

Myriad Genetics, Inc.
Classification: Uncertain significance for Bloom syndrome. Last evaluated: 2026-04-13. Review status: criteria provided, single submitter. Criteria: Myriad Autosomal Dominant, Autosomal Recessive and X-Linked Classification Criteria (2023). Collection method: clinical testing. Allele origin: unknown.
Comment: NM_000057.3(BLM):c.467A>G(D156G) is a missense variant classified as a variant of uncertain significance in the context of Bloom syndrome. D156G has not been observed in cases with relevant disease. Relevant functional assessments of this variant are not available in the literature. D156G has been observed in referenced population frequency databases. In summary, there is insufficient evidence to classify NM_000057.3(BLM):c.467A>G(D156G) as pathogenic or benign. Please note: this variant was assessed in the context of healthy population screening.

Labcorp Genetics (formerly Invitae), Labcorp
Classification: Uncertain significance for Bloom syndrome. Last evaluated: 2025-01-27. Review status: criteria provided, single submitter. Criteria: Invitae Variant Classification Sherloc (09022015). Collection method: clinical testing. Allele origin: germline.
Comment: This sequence change replaces aspartic acid, which is acidic and polar, with glycine, which is neutral and non-polar, at codon 156 of the BLM protein (p.Asp156Gly). This variant is present in population databases (rs772175681, gnomAD 0.03%). This variant has not been reported in the literature in individuals affected with BLM-related conditions. ClinVar contains an entry for this variant (Variation ID: 954323). An algorithm developed to predict the effect of missense changes on protein structure and function (PolyPhen-2) suggests that this variant is likely to be disruptive. In summary, the available evidence is currently insufficient to determine the role of this variant in disease. Therefore, it has been classified as a Variant of Uncertain Significance.

Ambry Genetics
Classification: Uncertain significance for Hereditary cancer-predisposing syndrome. Last evaluated: 2024-04-22. Review status: criteria provided, single submitter. Criteria: Ambry Variant Classification Scheme 2023. Collection method: clinical testing. Allele origin: germline.
Comment: The p.D156G variant (also known as c.467A>G), located in coding exon 2 of the BLM gene, results from an A to G substitution at nucleotide position 467. The aspartic acid at codon 156 is replaced by glycine, an amino acid with similar properties. This amino acid position is highly conserved in available vertebrate species. In addition, the in silico prediction for this alteration is inconclusive. Since supporting evidence is limited at this time, the clinical significance of this alteration remains unclear.

Natera, Inc.
Classification: Uncertain significance for Bloom syndrome. Last evaluated: 2020-08-18. Review status: no assertion criteria provided. Collection method: clinical testing. Allele origin: germline. Not counted in ClinVar's aggregate classification.